The following is an entry in ClinVar:

ClinVar aggregate classification (germline): Likely benign. Review status: criteria provided, multiple submitters, no conflicts (2 of 4 stars). 8 submissions from 8 submitters: Likely benign (4). 4 of the submissions do not count toward it. Last evaluated 2026-08-01.

Conditions:
TCF3-related disorder. Also called: TCF3-related condition.

Submissions (8):

CeGaT Center for Human Genetics Tuebingen
Classification: Likely benign. Last evaluated: 2026-08-01. Review status: criteria provided, single submitter. Criteria: CeGaT Center For Human Genetics Tuebingen Variant Classification Criteria Version 2. Collection method: clinical testing. Allele origin: germline. Affected: yes. Observed: 7 variant alleles.
Comment: TCF3: PM4:Supporting, BS2

Labcorp Genetics (formerly Invitae), Labcorp
Classification: Likely benign. Last evaluated: 2026-01-27. Review status: criteria provided, single submitter. Criteria: Invitae Variant Classification Sherloc (09022015). Collection method: clinical testing. Allele origin: germline.

ARUP Laboratories, Molecular Genetics and Genomics, ARUP Laboratories
Classification: Likely benign. Last evaluated: 2025-01-24. Review status: criteria provided, single submitter. Criteria: ARUP Molecular Germline Variant Investigation Process 2024. Collection method: clinical testing. Allele origin: germline.

Blueprint Genetics
Classification: Likely benign. Last evaluated: 2024-11-28. Review status: criteria provided, single submitter. Criteria: ACMG Guidelines, 2015. Collection method: clinical testing. Allele origin: germline.

PreventionGenetics, part of Exact Sciences
Classification: Likely benign for TCF3-related condition. Last evaluated: 2024-06-07. Review status: no assertion criteria provided. Collection method: clinical testing. Allele origin: germline. Not counted in ClinVar's aggregate classification.
Comment: This variant is classified as likely benign based on ACMG/AMP sequence variant interpretation guidelines (Richards et al. 2015 PMID: 25741868, with internal and published modifications).

Clinical Genetics DNA and cytogenetics Diagnostics Lab, Erasmus MC, Erasmus Medical Center
Classification: Likely benign. Review status: no assertion criteria provided. Collection method: clinical testing. Allele origin: germline. Affected: yes. Study: VKGL Data-share Consensus. Not counted in ClinVar's aggregate classification.

Diagnostic Laboratory, Department of Genetics, University Medical Center Groningen
Classification: Likely benign. Review status: no assertion criteria provided. Collection method: clinical testing. Allele origin: germline. Affected: yes. Study: VKGL Data-share Consensus. Not counted in ClinVar's aggregate classification.

Genome Diagnostics Laboratory, University Medical Center Utrecht
Classification: Likely benign. Review status: no assertion criteria provided. Collection method: clinical testing. Allele origin: germline. Affected: yes. Study: VKGL Data-share Consensus. Not counted in ClinVar's aggregate classification.

NM_003200.5(TCF3):c.879CTC[1] (p.Ser295del)

Gene: TCF3 (transcription factor 3; minus strand). Cytogenetic location: 19p13.3.
Variant type: Microsatellite.
Coding change: c.879CTC[1] on transcript NM_003200.5 (MANE Select); one copy of the 3-base unit CTC starting at c.879; the reference has two copies in a row; one copy, 3 bases deleted; also written c.882_884del.
Protein change: p.Ser295del; deletes serine 295.
Molecular consequence: inframe deletion.
Genome position (GRCh38, 1-based): chr19:1,621,909-1,621,911, GAG deleted on the plus strand (CTC on the coding strand, the reverse complement: TCF3 is on the minus strand); deleting any 3 consecutive bases within chr19:1,621,909-1,621,914 gives the same sequence; the position shown is the placement nearest the transcript's 3' end. VCF-style (leftmost placement, unchanged base first): chr19-1621908-TGAG-T. GRCh37 (hg19) VCF-style: chr19-1621907-TGAG-T.
Other names: c.882_884del (NM_003200.3); c.879CTC[1], p.Ser295del (NM_001136139.4, NM_001351778.2, NM_001351779.2); short protein forms S295del.
Identifiers: ClinVar variation 714562 (VCV000714562.61), dbSNP rs550914200, ClinGen allele CA9050186.
Genomic context (GRCh38, chr19:1,621,908, plus strand): 5'-GTCGGCCCCGCTGACAGGCGGCGTGTGGCTGGAGACGCCGCCGTACGTGGCTCCGGGGGC[TGAG>T]GAGAAGGAGGATGCAGATGGGAGCCCACCGTTCACCTCTGCTCCATGCAGCTGGTAGCCC-3'